The following is an entry in ClinVar:

NM_022051.3(EGLN1):c.182G>A (p.Ser61Asn)

Gene: EGLN1 (egl-9 family hypoxia inducible factor 1; minus strand). Cytogenetic location: 1q42.2.
Variant type: single nucleotide variant.
Coding change: c.182G>A on transcript NM_022051.3 (MANE Select); coding-DNA position 182, G replaced by A.
Protein change: p.Ser61Asn; replaces serine 61 with asparagine.
Molecular consequence: missense variant.
Genome position (GRCh38, 1-based): chr1:231,421,707, C>T on the plus strand (G>A on the coding strand, the complement: EGLN1 is on the minus strand). VCF-style: chr1-231421707-C-T. GRCh37 (hg19) VCF-style: chr1-231557453-C-T.
Other names: c.182G>A, p.Ser61Asn (NM_001377260.1, NM_001377261.1); short protein forms S61N.
Identifiers: ClinVar variation 3843876 (VCV003843876.1).
Genomic context (GRCh38, chr1:231,421,707, plus strand): 5'-GCCGGCGGCGCGGGGCCGGAATGCTGGTGTGGGCCCACTCCGTGGCCGAGGGCGCCCTCG[C>T]TGCCCTGGCACACGAGCTTGTGCTTCTTCCAGTCCTGACGCTGGTGCTCCTTGCAGCAGT-3'
Protein context (NP_071334.1, residues 51-71): WKKHKLVCQG[Ser61Asn]EGALGHGVGP

ClinVar aggregate classification (germline): Uncertain significance (1 of 4 stars; one submission).

gnomAD v4.1: 1 of 1,518,982 alleles (0.000066%); highest among the groups gnomAD compares: Non-Finnish European, 0.000088%; no homozygotes.

Submission:

Ambry Genetics
Classification: Uncertain significance. Last evaluated: 2024-12-20. Review status: criteria provided, single submitter. Criteria: Ambry Variant Classification Scheme 2023. Collection method: clinical testing. Allele origin: germline.
Comment: The p.S61N variant (also known as c.182G>A), located in coding exon 1 of the EGLN1 gene, results from a G to A substitution at nucleotide position 182. The serine at codon 61 is replaced by asparagine, an amino acid with highly similar properties. This amino acid position is conserved. In addition, this alteration is predicted to be tolerated by in silico analysis. Based on the available evidence, the clinical significance of this variant remains unclear.